The following is an entry in ClinVar:

ClinVar aggregate classification (germline): Uncertain significance (0 of 4 stars; one submission).

Conditions:
PCNT-related disorder. Also called: PCNT-related condition.

Allele frequency attached by ClinVar (database versions not stated): TOPMed 0.00001; ExAC 0.00002; gnomAD exomes 0.00002; ESP Exome Variant Server 0.00008.
gnomAD v4.1: 26 of 1,612,746 alleles (0.0016%); highest among the groups gnomAD compares: Non-Finnish European, 0.0022%; no homozygotes.

Submission:

PreventionGenetics, part of Exact Sciences
Classification: Uncertain significance for PCNT-related condition. Last evaluated: 2023-12-26. Review status: no assertion criteria provided. Collection method: clinical testing. Allele origin: germline.
Comment: The PCNT c.1679+4A>G variant is predicted to interfere with splicing. To our knowledge, this variant has not been reported in the literature. This variant is reported in 0.0035% of alleles in individuals of European (Non-Finnish) descent in gnomAD. At this time, the clinical significance of this variant is uncertain due to the absence of conclusive functional and genetic evidence.

NM_006031.6(PCNT):c.1679+4A>G

Gene: PCNT (pericentrin; plus strand). Cytogenetic location: 21q22.3.
Variant type: single nucleotide variant.
Coding change: c.1679+4A>G on transcript NM_006031.6 (MANE Select); 4 bases into the intron after coding-DNA position 1679, A replaced by G.
Molecular consequence: intron variant.
Genome position (GRCh38, 1-based): chr21:46,353,330, A>G. VCF-style: chr21-46353330-A-G. GRCh37 (hg19) VCF-style: chr21-47773244-A-G.
Other names: c.1325+4A>G (NM_001315529.2).
Identifiers: ClinVar variation 3032393 (VCV003032393.2), dbSNP rs370010603, ClinGen allele CA10078689.